The following is an entry in ClinVar:

ClinVar aggregate classification (germline): Pathogenic/Likely pathogenic. Review status: criteria provided, multiple submitters, no conflicts (2 of 4 stars). 6 submissions from 6 submitters: Pathogenic (3); Likely pathogenic (2). 1 of the submissions does not count toward it. Last evaluated 2025-08-20.

Conditions:
Chronic granulomatous disease. Identifiers: Orphanet 379, MedGen C0018203, MONDO:0018305.
Granulomatous disease, chronic, autosomal recessive, cytochrome b-negative. Also called: Chronic granulomatous disease, autosomal, due to deficiency of CYBA; CGD DUE TO DEFICIENCY OF THE ALPHA SUBUNIT OF CYTOCHROME b; CGD, AUTOSOMAL RECESSIVE CYTOCHROME b-NEGATIVE; CYBA DEFICIENCY; GRANULOMATOUS DISEASE, CHRONIC, AUTOSOMAL RECESSIVE, 4. Identifiers: Orphanet 379, MedGen C1856255, MONDO:0009308, OMIM 233690.

Allele frequency attached by ClinVar (database versions not stated): gnomAD exomes 0.00001; ExAC 0.00002.

Submissions (6):

Natera, Inc.
Classification: Likely pathogenic for Chronic granulomatous disease. Last evaluated: 2025-08-20. Review status: criteria provided, single submitter. Criteria: Natera Variant Classification Schema (03/2026). Collection method: clinical testing. Allele origin: germline.
Comment: The c.70G>A variant in CYBA is a missense variant predicted to cause substitution of glycine to arginine at amino acid 24. This variant is rare in the general population with a frequency below the threshold expected for the associated phenotype(s). This variant has been observed in one or more individuals affected with the associated recessive disease, as either homozygous or compound heterozygous with a second variant (PMID: 19292887, 10910929, 35140711). Computational prediction algorithms indicate this variant is likely to affect gene or protein function. Given the available evidence, this variant is classified as Likely Pathogenic.

Labcorp Genetics (formerly Invitae), Labcorp
Classification: Pathogenic for Granulomatous disease, chronic, autosomal recessive, cytochrome b-negative. Last evaluated: 2024-11-11. Review status: criteria provided, single submitter. Criteria: Invitae Variant Classification Sherloc (09022015). Collection method: clinical testing. Allele origin: germline.
Comment: This sequence change replaces glycine, which is neutral and non-polar, with arginine, which is basic and polar, at codon 24 of the CYBA protein (p.Gly24Arg). This variant is present in population databases (rs28941476, gnomAD 0.006%). This missense change has been observed in individual(s) with chronic granulomatous disease (PMID: 10759707, 10910929, 19292887, 20167518). In at least one individual the data is consistent with being in trans (on the opposite chromosome) from a pathogenic variant. This variant is also known as 98G>A. ClinVar contains an entry for this variant (Variation ID: 2265). An algorithm developed to predict the effect of missense changes on protein structure and function (PolyPhen-2) suggests that this variant is likely to be disruptive. For these reasons, this variant has been classified as Pathogenic.

Fulgent Genetics
Classification: Likely pathogenic for Granulomatous disease, chronic, autosomal recessive, cytochrome b-negative. Last evaluated: 2021-10-01. Review status: criteria provided, single submitter. Criteria: ACMG Guidelines, 2015. Collection method: clinical testing. Allele origin: unknown.

CeGaT Center for Human Genetics Tuebingen
Classification: Pathogenic. Last evaluated: 2021-02-01. Review status: criteria provided, single submitter. Criteria: CeGaT Center For Human Genetics Tuebingen Variant Classification Criteria Version 2. Collection method: clinical testing. Allele origin: germline. Affected: yes. Observed: 2 variant alleles.

Neuberg Centre For Genomic Medicine, NCGM
Classification: Pathogenic for Granulomatous disease, chronic, autosomal recessive, cytochrome b-negative. Review status: criteria provided, single submitter. Criteria: ACMG Guidelines, 2015. Collection method: clinical testing. Allele origin: germline. Inheritance: Autosomal recessive inheritance. Affected: yes.

OMIM
Classification: Pathogenic for GRANULOMATOUS DISEASE, CHRONIC, AUTOSOMAL RECESSIVE, 4. Last evaluated: 2000-03-01. Review status: no assertion criteria provided. Collection method: literature only. Allele origin: germline. Not counted in ClinVar's aggregate classification.

Literature cited by the submitters: PubMed 19292887 (cited by Natera, Inc. and Labcorp Genetics (formerly Invitae), Labcorp); PubMed 10910929 (cited by Natera, Inc. and Labcorp Genetics (formerly Invitae), Labcorp); PubMed 35140711 (cited by Natera, Inc.); PubMed 10759707 (cited by Labcorp Genetics (formerly Invitae), Labcorp and OMIM); PubMed 20167518 (cited by Labcorp Genetics (formerly Invitae), Labcorp).

NM_000101.4(CYBA):c.70G>A (p.Gly24Arg)

Gene: CYBA (cytochrome b-245 alpha chain; minus strand). Cytogenetic location: 16q24.2.
Variant type: single nucleotide variant.
Coding change: c.70G>A on transcript NM_000101.4 (MANE Select); coding-DNA position 70, G replaced by A.
Protein change: p.Gly24Arg; replaces glycine 24 with arginine.
Molecular consequence: missense variant.
Genome position (GRCh38, 1-based): chr16:88,648,103, C>T on the plus strand (G>A on the coding strand, the complement: CYBA is on the minus strand). VCF-style: chr16-88648103-C-T. GRCh37 (hg19) VCF-style: chr16-88714511-C-T.
Other names: short protein forms G24R.
Identifiers: ClinVar variation 2265 (VCV000002265.56), dbSNP rs28941476, ClinGen allele CA115462.